The following continues an entry in ClinVar:

NM_000016.6(ACADM):c.799G>A (p.Gly267Arg)

Gene: ACADM. ClinVar aggregate classification (germline): Pathogenic/Likely pathogenic. Pathogenic (31); Likely pathogenic (1).

Submissions 13 to 25 of 34:

Baylor Genetics
Classification: Pathogenic for Medium-chain acyl-coenzyme A dehydrogenase deficiency. Last evaluated: 2024-03-30. Review status: criteria provided, single submitter. Criteria: ACMG Guidelines, 2015. Collection method: clinical testing. Allele origin: unknown.

Fulgent Genetics
Classification: Pathogenic for Medium-chain acyl-coenzyme A dehydrogenase deficiency. Last evaluated: 2024-03-05. Review status: criteria provided, single submitter. Criteria: ACMG Guidelines, 2015. Collection method: clinical testing. Allele origin: germline.

Centre of Medical Genetics, University Hospital Muenster
Classification: Pathogenic for Medium-chain acyl-coenzyme A dehydrogenase deficiency. Last evaluated: 2023-04-12. Review status: criteria provided, single submitter. Criteria: ACMG Guidelines, 2015. Collection method: clinical testing. Allele origin: unknown. Affected: yes. Observed: 1 variant allele, 1 homozygote.
Comment: ACMG categories: PS3,PM1,PM2,PP3,PP5

Department of Pathology and Laboratory Medicine, Sinai Health System
Classification: Pathogenic for Medium-chain acyl-coenzyme A dehydrogenase deficiency. Last evaluated: 2023-02-08. Review status: criteria provided, single submitter. Criteria: ACMG Guidelines, 2015. Collection method: research. Allele origin: germline.

Laboratory for Molecular Medicine, Mass General Brigham Personalized Medicine
Classification: Pathogenic for Medium-chain acyl-coenzyme A dehydrogenase deficiency. Last evaluated: 2022-06-30. Review status: criteria provided, single submitter. Criteria: ACMG Guidelines, 2015. Collection method: clinical testing. Allele origin: germline. Inheritance: Autosomal recessive inheritance.
Comment: The p.Gly271Arg (NM_001127328.1 c.811G>A) variant in ACADM (also reported as NM_000016.4:p.Gly267Arg in the literature) has been reported in at least 4 homozygous and 5 compound heterozygous individuals with medium-chain acyl-coenzyme A dehydrogenase (MCAD) deficiency (Yokota 1991 PMID 1684086, Zschocke 2001 PMID: 11409868, Sturm 2012 PMID 23028790, Koster 2014 PMID 24966162). This variant has also been reported in ClinVar (Variation ID#3588) as pathogenic by multiple laboratories. It has been identified in 34/126698 of European chromosomes by the Genome Aggregation Database (gnomAD; dbSNP rs121434274), though this frequency is low enough to be consistent with a recessive carrier frequency. In vitro functional studies suggest that the p.Gly271Arg variant leads to reduced activity (Zschocke 2001 PMID: 11409868, Sturm 2012 PMID 23028790, Koster 2014 PMID 24966162). In summary, the p.Gly271Arg variant is pathogenic for MCAD deficiency in an autosomal recessive manner based upon observations in affected individuals and functional studies. ACMG/AMP Criteria applied: PS3, PM3,PP3,PP5.

3billion
Classification: Pathogenic for Medium-chain acyl-coenzyme A dehydrogenase deficiency. Last evaluated: 2022-01-03. Review status: criteria provided, single submitter. Criteria: ACMG Guidelines, 2015. Collection method: clinical testing. Allele origin: germline. Affected: yes. Observed: 1 heterozygote.
Comment: The variant has been reported to be in trans with a pathogenic variant as either compound heterozygous or homozygous in at least 2 similarly affected unrelated individuals (PMID:1684086, 23028790, 16291504, 1684086, 22848008, 24966162, PM3_S). Functional studies provide strong evidence of the variant having a damaging effect on the gene or gene product (PMID: 24966162, 9158144, PS3_S). It is observed at an extremely low frequency in the gnomAD v2.1.1 dataset (total allele frequency: 0.000202, PM2_M). In silico tool predictions suggest damaging effect of the variant on gene or gene product (REVEL: 0.983, 3CNET: 0.998, PP3_P). Therefore, this variant is classified as pathogenic according to the recommendation of ACMG/AMP guideline.

Institute for Clinical Genetics, University Hospital TU Dresden, University Hospital TU Dresden
Classification: Pathogenic. Last evaluated: 2021-11-03. Review status: criteria provided, single submitter. Criteria: ACMG Guidelines, 2015. Collection method: clinical testing. Allele origin: germline.

GeneDx
Classification: Pathogenic. Last evaluated: 2020-07-02. Review status: criteria provided, single submitter. Criteria: GeneDx Variant Classification Process June 2021. Collection method: clinical testing. Allele origin: germline. Affected: yes.
Comment: Expression studies demonstrate a reduced (13% to less than 10%) residual MCAD enzyme activity compared to wild-type and reduced protein expression on western blot analysis (Koster et al., 2014; Sturm et al., 2012); In silico analysis, which includes protein predictors and evolutionary conservation, supports a deleterious effect; This variant is associated with the following publications: (PMID: 23028790, 30609409, 31012112, 27760515, 20434380, 16291504, 25087612, 22975760, 24966162, 1684086, 9158144, 28492532, 23798014, 20036593, 25940036, 31589614, 32853555)

ARUP Laboratories, Molecular Genetics and Genomics, ARUP Laboratories
Classification: Pathogenic for Medium-chain acyl-coenzyme A dehydrogenase deficiency. Last evaluated: 2020-03-08. Review status: criteria provided, single submitter. Criteria: ARUP Molecular Germline Variant Investigation Process. Collection method: clinical testing. Allele origin: germline.
Comment: The ACADM c.799G>A; p.Gly267Arg variant (rs121434274) is reported in the literature in the compound heterozygous or homozygous state in several individuals affected with medium-chain acyl-CoA dehydrogenase deficiency (Andresen 1997, Koster 2014, Maier 2005, Sturm 2012, Yokota 1991, Zschocke 2001). This variant is reported in ClinVar (Variation ID: 3588), and is found in the general population with an overall allele frequency of 0.020% (57/282726 alleles) in the Genome Aggregation Database. The glycine at codon 267 is highly conserved, and computational analyses (SIFT, PolyPhen-2) predict that this variant is deleterious. Functional analyses of the variant protein show a significant reduction in enzymatic activity (Andresen 1997, Zschocke 2001). Based on available information, this variant is considered to be pathogenic. References: Andresen BS et al. The molecular basis of medium-chain acyl-CoA dehydrogenase (MCAD) deficiency in compound heterozygous patients: is there correlation between genotype and phenotype? Hum Mol Genet. 1997 May;6(5):695-707. Koster KL et al. Functional studies of 18 heterologously expressed medium-chain acyl-CoA dehydrogenase (MCAD) variants. J Inherit Metab Dis. 2014 Nov;37(6):917-28. Maier EM et al. Population spectrum of ACADM genotypes correlated to biochemical phenotypes in newborn screening for medium-chain acyl-CoA dehydrogenase deficiency. Hum Mutat. 2005 May;25(5):443-52. Sturm M et al. Functional effects of different medium-chain acyl-CoA dehydrogenase genotypes and identification of asymptomatic variants. PLoS One. 2012;7(9):e45110. Yokota I et al. Molecular survey of a prevalent mutation, 985A-to-G transition, and identification of five infrequent mutations in the medium-chain Acyl-CoA dehydrogenase (MCAD) gene in 55 patients with MCAD deficiency. Am J Hum Genet. 1991 Dec;49(6):1280-91. Zschocke J et al. Molecular and functional characterisation of mild MCAD deficiency. Hum Genet. 2001 May;108(5):404-8.

Myriad Genetics, Inc.
Classification: Pathogenic for Medium-chain acyl-coenzyme A dehydrogenase deficiency. Last evaluated: 2020-01-03. Review status: criteria provided, single submitter. Criteria: Myriad Women's Health Autosomal Recessive and X-Linked Classification Criteria (2019). Collection method: clinical testing. Allele origin: unknown.
Comment: NM_000016.4(ACADM):c.799G>A(G267R) is classified as pathogenic in the context of medium chain acyl-CoA dehydrogenase deficiency. Sources cited for classification include the following: PMID: 20036593, 20434380, 23798014, 1684086, 24966162, 9158144 and 22542437. Classification of NM_000016.4(ACADM):c.799G>A(G267R) is based on the following criteria: This is a well-established pathogenic variant in the literature that has been observed more frequently in patients with clinical diagnoses than in healthy populations. Please note: this variant was assessed in the context of healthy population screening.â€šÃ„Ã¶âˆšÃ‘âˆšÂ£

Quest Diagnostics Nichols Institute San Juan Capistrano
Classification: Pathogenic. Last evaluated: 2018-08-24. Review status: criteria provided, single submitter. Criteria: Quest Diagnostics criteria. Collection method: clinical testing. Allele origin: germline.

Illumina Laboratory Services, Illumina
Classification: Pathogenic for Medium-chain acyl-coenzyme A dehydrogenase deficiency. Last evaluated: 2018-08-14. Review status: criteria provided, single submitter. Criteria: ICSL Variant Classification Criteria 09 May 2019. Collection method: clinical testing. Allele origin: germline.
Comment: The ACADM c.799G>A (p.Gly267Arg) missense variant has been reported in several studies in association with MCAD deficiency. Across a selection of available literature, the p.Gly267Arg variant has been found in at least 12 individuals affected with MCAD deficiency, in at least six in a compound heterozygous state, and in at least six in a homozygous state (Yokota et al. 1991; Zschocke et al. 2001; Maier et al. 2005; Sturm et al. 2012; Anderson et al. 2012). In general, the individuals who were homozygous for the variant were asymptomatic or presented with a mild phenotype, while individuals who were compound heterozygous for the variant displayed a moderate to severe phenotype (Maier et al. 2005; Sturm et al. 2012; Anderson et al. 2012). The p.Gly267Arg variant was found in two unaffected parents in a heterozygous state (Zschocke et al. 2001) and was absent from at least 12 controls. The p.Gly267Arg variant is reported at a frequency of 0.000487 in the South Asian population of the Genome Aggregation Database. The Gly267 residue is conserved. Expression studies of the p.Gly267Arg variant in E. coli revealed considerable residual MCAD activity of the protein (40%) compared to wild type (Andresen et al. 1997). In vitro activity of the p.Gly267Arg protein was markedly increased when co-expressed with GroESL chaperonins, indicating that the variant affects protein folding (Andresen et al. 1997). Another set of studies in E. coli showed that the p.Gly267Arg variant had low activity of <5% and was expressed at very low levels. This residue is predicted to be localized in a domain of beta-sheets involved in Flavin adenine nucleotide (FAD) binding (Koster et al. 2014). Based on the collective evidence, the p.Gly267Arg variant is classified as pathogenic for MCAD deficiency. This variant was observed by ICSL as part of a predisposition screen in an ostensibly healthy population.

Genomic Research Center, Shahid Beheshti University of Medical Sciences
Classification: Likely pathogenic for Medium-chain acyl-coenzyme A dehydrogenase deficiency. Last evaluated: 2018-08-07. Review status: criteria provided, single submitter. Criteria: ACMG Guidelines, 2015. Collection method: clinical testing. Allele origin: inherited. Affected: yes. Observed: 1 variant allele.